The following is an entry in ClinVar:

NM_001754.5(RUNX1):c.849G>C (p.Gln283His)

Gene: RUNX1 (RUNX family transcription factor 1; minus strand). Cytogenetic location: 21q22.12.
Variant type: single nucleotide variant.
Coding change: c.849G>C on transcript NM_001754.5 (MANE Select); coding-DNA position 849, G replaced by C.
Protein change: p.Gln283His; replaces glutamine 283 with histidine.
Molecular consequence: missense variant.
Genome position (GRCh38, 1-based): chr21:34,799,419, C>G on the plus strand (G>C on the coding strand, the complement: RUNX1 is on the minus strand). VCF-style: chr21-34799419-C-G. GRCh37 (hg19) VCF-style: chr21-36171716-C-G.
Other names: NM_001754.5(RUNX1):c.849G>C; p.Gln283His; c.768G>C, p.Gln256His (NM_001001890.3); short protein forms Q283H, Q256H.
Identifiers: ClinVar variation 464011 (VCV000464011.9), dbSNP rs1056623039, ClinGen allele CA320255629.

ClinVar aggregate classification (germline): Uncertain significance. Review status: reviewed by expert panel (3 of 4 stars). 4 submissions from 4 submitters: Uncertain significance (1). 3 of the submissions do not count toward it. Last evaluated 2024-10-29.

Conditions:
Hereditary thrombocytopenia and hematologic cancer predisposition syndrome. Identifiers: Orphanet 71290, MedGen CN281654, MONDO:0011071.
Hereditary thrombocytopenia and hematological cancer predisposition syndrome associated with RUNX1. Also called: RUNX1 Familial Platelet Disorder with Associated Myeloid Malignancies; Familial Platelet Disorder with Propensity to Acute Myelogenous Leukemia; PLATELET DISORDER, ASPIRIN-LIKE; Familial thrombocytopenia with propensity to acute myelogenous leukemia. Identifiers: Orphanet 71290, MedGen C1832388, MeSH C563324, MONDO:0100083, OMIM 601399.
Inborn genetic diseases. Identifiers: MedGen C0950123, MeSH D030342.

Allele frequency attached by ClinVar (database versions not stated): gnomAD exomes below 0.00001.
gnomAD v4.1: 4 of 1,614,170 alleles (0.00025%); highest among the groups gnomAD compares: Non-Finnish European, 0.00025%; no homozygotes.

Submissions (4):

ClinGen Myeloid Malignancy Variant Curation Expert Panel
Classification: Uncertain significance for Hereditary thrombocytopenia and hematologic cancer predisposition syndrome. Last evaluated: 2024-10-29. Review status: reviewed by expert panel. Criteria: ClinGen MyeloMalig ACMG Specifications v2. Collection method: curation. Allele origin: germline. Inheritance: Autosomal dominant inheritance.
Comment: NM_001754.5(RUNX1):c.849G>C (p.Gln283His) is a missense variant which has been reported in one proband meeting at least one of the RUNX1-phenotypic criteria (PS4_ Supporting; PMID: 36819173). In summary, the clinical significance of this variant is uncertain. ACMG/AMP criteria applied, as specified by the Myeloid Malignancy Variant Curation Expert Panel for RUNX1: PS4_supporting.

Labcorp Genetics (formerly Invitae), Labcorp
Classification: Uncertain significance for Hereditary thrombocytopenia and hematological cancer predisposition syndrome associated with RUNX1. Last evaluated: 2025-08-11. Review status: criteria provided, single submitter. Criteria: Invitae Variant Classification Sherloc (09022015). Collection method: clinical testing. Allele origin: germline. Not counted in ClinVar's aggregate classification.
Comment: This sequence change replaces glutamine, which is neutral and polar, with histidine, which is basic and polar, at codon 283 of the RUNX1 protein (p.Gln283His). This variant is not present in population databases (gnomAD no frequency). This variant has not been reported in the literature in individuals affected with RUNX1-related conditions. ClinVar contains an entry for this variant (Variation ID: 464011). Invitae Evidence Modeling of protein sequence and biophysical properties (such as structural, functional, and spatial information, amino acid conservation, physicochemical variation, residue mobility, and thermodynamic stability) has been performed for this missense variant. However, the output from this modeling did not meet the statistical confidence thresholds required to predict the impact of this variant on RUNX1 protein function. In summary, the available evidence is currently insufficient to determine the role of this variant in disease. Therefore, it has been classified as a Variant of Uncertain Significance.

Ambry Genetics
Classification: Uncertain significance for Inborn genetic diseases. Last evaluated: 2024-12-06. Review status: criteria provided, single submitter. Criteria: Ambry Variant Classification Scheme 2023. Collection method: clinical testing. Allele origin: germline. Not counted in ClinVar's aggregate classification.
Comment: The p.Q283H variant (also known as c.849G>C), located in coding exon 7 of the RUNX1 gene, results from a G to C substitution at nucleotide position 849. The glutamine at codon 283 is replaced by histidine, an amino acid with highly similar properties. This amino acid position is highly conserved in available vertebrate species. In addition, the in silico prediction for this alteration is inconclusive. Based on the available evidence, the clinical significance of this variant remains unclear.

Blueprint Genetics
Classification: Uncertain significance. Last evaluated: 2024-10-15. Review status: criteria provided, single submitter. Criteria: ACMG Guidelines, 2015. Collection method: clinical testing. Allele origin: germline. Not counted in ClinVar's aggregate classification.